The following is an entry in ClinVar:

ClinVar aggregate classification (germline): Likely benign (1 of 4 stars; one submission).

Allele frequency attached by ClinVar (database versions not stated): gnomAD 0.00001; gnomAD exomes 0.00002.
gnomAD v4.1: 37 of 1,559,468 alleles (0.0024%); highest among the groups gnomAD compares: Non-Finnish European, 0.0028%; 5 homozygotes.

Submission:

CeGaT Center for Human Genetics Tuebingen
Classification: Likely benign. Last evaluated: 2026-07-01. Review status: criteria provided, single submitter. Criteria: CeGaT Center For Human Genetics Tuebingen Variant Classification Criteria Version 2. Collection method: clinical testing. Allele origin: germline. Affected: yes. Observed: 10 variant alleles.
Comment: MUC21: BP4, BP7

NM_001010909.5(MUC21):c.1161C>T (p.Ala387=)

Genes: MUC21 (mucin 21, cell surface associated; plus strand), LOC126859647 (CDK7 strongly-dependent group 2 enhancer GRCh37_chr6:30954612-30955811; plus strand). Cytogenetic location: 6p21.33.
Variant type: single nucleotide variant.
Coding change: c.1161C>T on transcript NM_001010909.5 (MANE Select); coding-DNA position 1161, C replaced by T.
Protein change: p.Ala387=; no amino-acid change (alanine 387 retained).
Molecular consequence: synonymous variant. On other transcripts: no sequence alteration (1), non-coding transcript variant (1).
Genome position (GRCh38, 1-based): chr6:30,987,336, C>T. VCF-style: chr6-30987336-C-T. GRCh37 (hg19) VCF-style: chr6-30955113-C-T.
Other names: c.1251=, p.Ala417= (NM_001322370.2); c.1251C>T, p.Ala417= (NM_001322371.2).
Identifiers: ClinVar variation 2656379 (VCV002656379.24), dbSNP rs41288698, ClinGen allele CA136800679.